The following is an entry in ClinVar:

ClinVar aggregate classification (germline): Uncertain significance (1 of 4 stars; one submission).

Conditions:
Hajdu-Cheney syndrome (HJCYS). Also called: Acroosteolysis dominant type; ACROOSTEOLYSIS WITH OSTEOPOROSIS AND CHANGES IN SKULL AND MANDIBLE; SERPENTINE FIBULA-POLYCYSTIC KIDNEY SYNDROME. Identifiers: Orphanet 955, MedGen C0917715, MONDO:0007057, OMIM 102500.

Submission:

Labcorp Genetics (formerly Invitae), Labcorp
Classification: Uncertain significance for Hajdu-Cheney syndrome. Last evaluated: 2025-07-07. Review status: criteria provided, single submitter. Criteria: Invitae Variant Classification Sherloc (09022015). Collection method: clinical testing. Allele origin: germline.
Comment: This sequence change replaces serine, which is neutral and polar, with tyrosine, which is neutral and polar, at codon 838 of the NOTCH2 protein (p.Ser838Tyr). This variant is not present in population databases (gnomAD no frequency). This variant has not been reported in the literature in individuals affected with NOTCH2-related conditions. Invitae Evidence Modeling of protein sequence and biophysical properties (such as structural, functional, and spatial information, amino acid conservation, physicochemical variation, residue mobility, and thermodynamic stability) indicates that this missense variant is not expected to disrupt NOTCH2 protein function with a negative predictive value of 80%. In summary, the available evidence is currently insufficient to determine the role of this variant in disease. Therefore, it has been classified as a Variant of Uncertain Significance.

NM_024408.4(NOTCH2):c.2513C>A (p.Ser838Tyr)

Gene: NOTCH2 (notch receptor 2; minus strand). Cytogenetic location: 1p12.
Variant type: single nucleotide variant.
Coding change: c.2513C>A on transcript NM_024408.4 (MANE Select); coding-DNA position 2513, C replaced by A.
Protein change: p.Ser838Tyr; replaces serine 838 with tyrosine.
Molecular consequence: missense variant.
Genome position (GRCh38, 1-based): chr1:119,949,093, G>T on the plus strand (C>A on the coding strand, the complement: NOTCH2 is on the minus strand). VCF-style: chr1-119949093-G-T. GRCh37 (hg19) VCF-style: chr1-120491716-G-T.
Other names: c.2513C>A, p.Ser838Tyr (NM_001200001.2); short protein forms S838Y.
Identifiers: ClinVar variation 4741275 (VCV004741275.1).